The following is an entry in ClinVar:

NM_001372.4(DNAH9):c.2066C>T (p.Thr689Met)

Gene: DNAH9 (dynein axonemal heavy chain 9; plus strand). Cytogenetic location: 17p12.
Variant type: single nucleotide variant.
Coding change: c.2066C>T on transcript NM_001372.4 (MANE Select); coding-DNA position 2066, C replaced by T.
Protein change: p.Thr689Met; replaces threonine 689 with methionine.
Molecular consequence: missense variant.
Genome position (GRCh38, 1-based): chr17:11,647,167, C>T. VCF-style: chr17-11647167-C-T. GRCh37 (hg19) VCF-style: chr17-11550484-C-T.
Other names: p.Thr689Met; short protein forms T689M.
Identifiers: ClinVar variation 1325561 (VCV001325561.13), dbSNP rs145074455, ClinGen allele CA8395074.

ClinVar aggregate classification (germline): Conflicting classifications of pathogenicity. Review status: criteria provided, conflicting classifications (1 of 4 stars). 5 submissions from 5 submitters: Uncertain significance (2); Likely benign (2). 1 of the submissions does not count toward it. Last evaluated 2026-03-31.

Conditions:
DNAH9-related disorder. Also called: DNAH9-related condition.
Ciliary dyskinesia, primary, 40. Also called: CILIARY DYSKINESIA, PRIMARY, 40, WITH OR WITHOUT SITUS INVERSUS. Identifiers: MedGen C4749028, MONDO:0032664, OMIM 618300.

Allele frequency attached by ClinVar (database versions not stated): ExAC 0.00050; ESP Exome Variant Server 0.00100; TOPMed 0.00140; gnomAD exomes 0.00039; gnomAD 0.00126 and 0.00133; 1000 Genomes Project 0.00180; 1000 Genomes Project 30x 0.00234.
gnomAD v4.1: 337 of 1,613,906 alleles (0.021%); highest among the groups gnomAD compares: African/African-American, 0.37%; 1 homozygote.

Submissions (5):

GeneDx
Classification: Uncertain significance. Last evaluated: 2026-03-31. Review status: criteria provided, single submitter. Criteria: GeneDx Variant Classification Process June 2021. Collection method: clinical testing. Allele origin: germline.
Comment: In silico analysis supports that this missense variant has a deleterious effect on protein structure/function; Has not been previously reported as pathogenic or benign in association with DNAH9-related disorders to our knowledge; This variant is associated with the following publications: (PMID: 26901136)

Labcorp Genetics (formerly Invitae), Labcorp
Classification: Likely benign. Last evaluated: 2026-01-24. Review status: criteria provided, single submitter. Criteria: Invitae Variant Classification Sherloc (09022015). Collection method: clinical testing. Allele origin: germline.

Mayo Clinic Laboratories, Mayo Clinic
Classification: Likely benign. Last evaluated: 2025-03-18. Review status: criteria provided, single submitter. Criteria: ACMG Guidelines, 2015. Collection method: clinical testing. Allele origin: germline. Observed: 1 variant allele.
Comment: BS1, BP4

New York Genome Center
Classification: Uncertain significance for Ciliary dyskinesia, primary, 40. Last evaluated: 2020-05-10. Review status: criteria provided, single submitter. Criteria: NYGC Assertion Criteria 2020. Collection method: clinical testing. Allele origin: inherited. Observed: 1 compound heterozygote. Study: CSER-NYCKidSeq.

PreventionGenetics, part of Exact Sciences
Classification: Likely benign for DNAH9-related condition. Last evaluated: 2022-02-23. Review status: no assertion criteria provided. Collection method: clinical testing. Allele origin: germline. Not counted in ClinVar's aggregate classification.
Comment: This variant is classified as likely benign based on ACMG/AMP sequence variant interpretation guidelines (Richards et al. 2015 PMID: 25741868, with internal and published modifications).